The following is an entry in ClinVar:

ClinVar aggregate classification (germline): Uncertain significance (1 of 4 stars; one submission).

Conditions:
Hypertrophic cardiomyopathy. Also called: HYPERTROPHIC MYOCARDIOPATHY. Identifiers: Orphanet 217569, MedGen C0007194, MeSH D002312, MONDO:0005045, HP:0001639.

Allele frequency attached by ClinVar (database versions not stated): TOPMed below 0.00001.

Submission:

Labcorp Genetics (formerly Invitae), Labcorp
Classification: Uncertain significance for Hypertrophic cardiomyopathy. Last evaluated: 2022-06-07. Review status: criteria provided, single submitter. Criteria: Invitae Variant Classification Sherloc (09022015). Collection method: clinical testing. Allele origin: germline.
Comment: This variant has not been reported in the literature in individuals affected with MYL3-related conditions. Variants that disrupt the consensus splice site are a relatively common cause of aberrant splicing (PMID: 17576681, 9536098). Algorithms developed to predict the effect of sequence changes on RNA splicing suggest that this variant may create or strengthen a splice site. In summary, the available evidence is currently insufficient to determine the role of this variant in disease. Therefore, it has been classified as a Variant of Uncertain Significance. This variant is not present in population databases (gnomAD no frequency). This sequence change falls in intron 2 of the MYL3 gene. It does not directly change the encoded amino acid sequence of the MYL3 protein. It affects a nucleotide within the consensus splice site.

Literature cited by the submitters: PubMed 17576681; PubMed 9536098.

NM_000258.3(MYL3):c.158-3C>A

Gene: MYL3 (myosin light chain 3; minus strand). Cytogenetic location: 3p21.31.
Variant type: single nucleotide variant.
Coding change: c.158-3C>A on transcript NM_000258.3 (MANE Select); 3 bases into the intron before coding-DNA position 158, C replaced by A.
Molecular consequence: intron variant.
Genome position (GRCh38, 1-based): chr3:46,860,828, G>T on the plus strand (C>A on the coding strand, the complement: MYL3 is on the minus strand). VCF-style: chr3-46860828-G-T. GRCh37 (hg19) VCF-style: chr3-46902318-G-T.
Identifiers: ClinVar variation 1999748 (VCV001999748.4), dbSNP rs111668273, ClinGen allele CA73779587.